The following is an entry in ClinVar:

NM_006904.7(PRKDC):c.2861G>A (p.Gly954Glu)

Gene: PRKDC (protein kinase, DNA-activated, catalytic subunit; minus strand). Cytogenetic location: 8q11.21.
Variant type: single nucleotide variant.
Coding change: c.2861G>A on transcript NM_006904.7 (MANE Select); coding-DNA position 2861, G replaced by A.
Protein change: p.Gly954Glu; replaces glycine 954 with glutamic acid.
Molecular consequence: missense variant.
Genome position (GRCh38, 1-based): chr8:47,912,483, C>T on the plus strand (G>A on the coding strand, the complement: PRKDC is on the minus strand). VCF-style: chr8-47912483-C-T. GRCh37 (hg19) VCF-style: chr8-48825043-C-T.
Other names: c.2861G>A, p.Gly954Glu (NM_001081640.2); short protein forms G954E.
Identifiers: ClinVar variation 2015375 (VCV002015375.5), dbSNP rs747457491, ClinGen allele CA371158807.
Genomic context (GRCh38, chr8:47,912,483, plus strand): 5'-CACGCAAGTCGAAGCAGCACAGGAAACGTCCGCTTATAGAGCTGGTACATGGGTGGGGCT[C>T]CCTGTCCCCCTTCTGGCATCTGCGTGGCTTTGCCCAACATAAACATAACCATGCTATGTA-3'
Protein context (NP_008835.5, residues 944-964): KATQMPEGGQ[Gly954Glu]APPMYQLYKR

ClinVar aggregate classification (germline): Uncertain significance. Review status: criteria provided, multiple submitters, no conflicts (2 of 4 stars). 2 submissions from 2 submitters: Uncertain significance (2). Last evaluated 2024-10-01.

Conditions:
Severe combined immunodeficiency due to DNA-PKcs deficiency. Also called: Immunodeficiency 26 with or without neurologic abnormalities; IMMUNODEFICIENCY 26 WITH NEUROLOGIC ABNORMALITIES. Identifiers: Orphanet 317425, MedGen C4014833, MONDO:0014423, OMIM 615966.

Submissions (2):

Ambry Genetics
Classification: Uncertain significance. Last evaluated: 2024-10-01. Review status: criteria provided, single submitter. Criteria: Ambry Variant Classification Scheme 2023. Collection method: clinical testing. Allele origin: germline.
Comment: The p.G954E variant (also known as c.2861G>A), located in coding exon 25 of the PRKDC gene, results from a G to A substitution at nucleotide position 2861. The glycine at codon 954 is replaced by glutamic acid, an amino acid with similar properties. This amino acid position is conserved. In addition, this alteration is predicted to be tolerated by in silico analysis. Based on the available evidence, the clinical significance of this variant remains unclear.

Labcorp Genetics (formerly Invitae), Labcorp
Classification: Uncertain significance for Severe combined immunodeficiency due to DNA-PKcs deficiency. Last evaluated: 2022-07-09. Review status: criteria provided, single submitter. Criteria: Invitae Variant Classification Sherloc (09022015). Collection method: clinical testing. Allele origin: germline.
Comment: This sequence change replaces glycine, which is neutral and non-polar, with glutamic acid, which is acidic and polar, at codon 954 of the PRKDC protein (p.Gly954Glu). In summary, the available evidence is currently insufficient to determine the role of this variant in disease. Therefore, it has been classified as a Variant of Uncertain Significance. Experimental studies and prediction algorithms are not available or were not evaluated, and the functional significance of this variant is currently unknown. This variant has not been reported in the literature in individuals affected with PRKDC-related conditions. This variant is not present in population databases (gnomAD no frequency).